The following is an entry in ClinVar:

NM_020975.6(RET):c.3188-15T>A

Gene: RET (ret proto-oncogene; plus strand). Cytogenetic location: 10q11.21.
Variant type: single nucleotide variant.
Coding change: c.3188-15T>A on transcript NM_020975.6 (MANE Select); 15 bases into the intron before coding-DNA position 3188, T replaced by A.
Molecular consequence: intron variant.
Genome position (GRCh38, 1-based): chr10:43,128,097, T>A. VCF-style: chr10-43128097-T-A. GRCh37 (hg19) VCF-style: chr10-43623545-T-A.
Identifiers: ClinVar variation 1530577 (VCV001530577.9), dbSNP rs1588881831, ClinGen allele CA2573145094.
Genomic context (GRCh38, chr10:43,128,097, plus strand): 5'-TTGCCAAGGCCTTACTGTCTGCACTTGAAGTTTTGGTTCTTCAGTGCAGAACAAATGATC[T>A]GTTTTCATTTTTAGGCATGTCAGACCCGAACTGGCCTGGAGAGAGTCCTGTACCACTCAC-3'

ClinVar aggregate classification (germline): Conflicting classifications of pathogenicity. Review status: criteria provided, conflicting classifications (1 of 4 stars). 2 submissions from 2 submitters: Uncertain significance (1); Likely benign (1). Last evaluated 2025-06-18.

Conditions:
Multiple endocrine neoplasia, type 2 (MEN2). Identifiers: Orphanet 653, MedGen C4048306, MONDO:0019003. Disease mechanism: gain of function.

Allele frequency attached by ClinVar (database versions not stated): gnomAD exomes 0.00001.
gnomAD v4.1: 3 of 1,614,066 alleles (0.00019%); highest among the groups gnomAD compares: Non-Finnish European, 0.00025%; no homozygotes.

Submissions (2):

Color Diagnostics, LLC DBA Color Health
Classification: Uncertain significance for Multiple endocrine neoplasia, type 2. Last evaluated: 2025-06-18. Review status: criteria provided, single submitter. Criteria: ACMG Guidelines, 2015. Collection method: clinical testing. Allele origin: germline.
Comment: This variant causes a T to A nucleotide substitution at the -15 position of intron 19 of the RET gene. To our knowledge, functional studies have not been reported for this variant. This variant has not been reported in individuals affected with RET-related disorders in the literature. This variant has not been identified in the general population by the Genome Aggregation Database (gnomAD). The available evidence is insufficient to determine the role of this variant in disease conclusively. Therefore, this variant is classified as a Variant of Uncertain Significance.

Labcorp Genetics (formerly Invitae), Labcorp
Classification: Likely benign for Multiple endocrine neoplasia, type 2. Last evaluated: 2022-10-13. Review status: criteria provided, single submitter. Criteria: Invitae Variant Classification Sherloc (09022015). Collection method: clinical testing. Allele origin: germline.